The following is an entry in ClinVar:

NM_005546.4(ITK):c.935T>C (p.Val312Ala)

Gene: ITK (IL2 inducible T cell kinase; plus strand). Cytogenetic location: 5q33.3.
Variant type: single nucleotide variant.
Coding change: c.935T>C on transcript NM_005546.4 (MANE Select); coding-DNA position 935, T replaced by C.
Protein change: p.Val312Ala; replaces valine 312 with alanine.
Molecular consequence: missense variant.
Genome position (GRCh38, 1-based): chr5:157,240,145, T>C. VCF-style: chr5-157240145-T-C. GRCh37 (hg19) VCF-style: chr5-156667155-T-C.
Other names: short protein forms V312A.
Identifiers: ClinVar variation 1377843 (VCV001377843.5), dbSNP rs764110831, ClinGen allele CA3532939.

ClinVar aggregate classification (germline): Uncertain significance (1 of 4 stars; one submission).

Conditions:
Lymphoproliferative syndrome 1 (LPFS1). Identifiers: Orphanet 238505, Orphanet 538963, MedGen C3552634, MONDO:0013081, OMIM 613011.

Allele frequency attached by ClinVar (database versions not stated): gnomAD exomes below 0.00001; ExAC 0.00001.
gnomAD v4.1: 4 of 1,614,022 alleles (0.00025%); highest among the groups gnomAD compares: Non-Finnish European, 0.00034%; no homozygotes.

Submission:

Labcorp Genetics (formerly Invitae), Labcorp
Classification: Uncertain significance for Lymphoproliferative syndrome 1. Last evaluated: 2022-06-29. Review status: criteria provided, single submitter. Criteria: Invitae Variant Classification Sherloc (09022015). Collection method: clinical testing. Allele origin: germline.
Comment: This sequence change replaces valine, which is neutral and non-polar, with alanine, which is neutral and non-polar, at codon 312 of the ITK protein (p.Val312Ala). This variant is present in population databases (rs764110831, gnomAD 0.0009%). This variant has not been reported in the literature in individuals affected with ITK-related conditions. Advanced modeling of protein sequence and biophysical properties (such as structural, functional, and spatial information, amino acid conservation, physicochemical variation, residue mobility, and thermodynamic stability) performed at Invitae indicates that this missense variant is not expected to disrupt ITK protein function. In summary, the available evidence is currently insufficient to determine the role of this variant in disease. Therefore, it has been classified as a Variant of Uncertain Significance.